The following is an entry in ClinVar:

ClinVar aggregate classification (germline): Likely benign. Review status: reviewed by expert panel (3 of 4 stars). 3 submissions from 3 submitters: Likely benign (1). 2 of the submissions do not count toward it. Last evaluated 2026-04-29.

Conditions:
Hereditary thrombocytopenia and hematological cancer predisposition syndrome associated with RUNX1. Also called: Familial Platelet Disorder with Propensity to Acute Myelogenous Leukemia; Familial thrombocytopenia with propensity to acute myelogenous leukemia; PLATELET DISORDER, ASPIRIN-LIKE; RUNX1 Familial Platelet Disorder with Associated Myeloid Malignancies. Identifiers: Orphanet 71290, MedGen C1832388, MeSH C563324, MONDO:0100083, OMIM 601399.
Hereditary thrombocytopenia and hematologic cancer predisposition syndrome. Identifiers: Orphanet 71290, MedGen CN281654, MONDO:0011071.
Inborn genetic diseases. Identifiers: MedGen C0950123, MeSH D030342.

Allele frequency attached by ClinVar (database versions not stated): gnomAD 0.00001; TOPMed 0.00001.
gnomAD v4.1: 5 of 1,612,942 alleles (0.00031%); highest among the groups gnomAD compares: African/African-American, 0.0027%; no homozygotes.

Submissions (3):

ClinGen Myeloid Malignancy Variant Curation Expert Panel
Classification: Likely benign for Hereditary thrombocytopenia and hematologic cancer predisposition syndrome. Last evaluated: 2026-04-29. Review status: reviewed by expert panel. Criteria: ClinGen MyeloMalig ACMG Specifications V3.1. Collection method: curation. Allele origin: germline. Inheritance: Autosomal dominant inheritance.
Comment: NM_001754.5(RUNX1):c.735C>T (p.Pro245=) is a synonymous variant which has a SpliceAI score ≤ 0.20 (0.01) (BP4, BP7). This variant has a MAF ≤ 0.00005 in gnomAD v4 across all subpopulations with at least 20x coverage for RUNX1 (PM2_supporting). In summary, this variant meets criteria to be classified as likely benign. ACMG/AMP criteria applied, as specified by the Myeloid Malignancy Variant Curation Expert Panel for RUNX1: BP4, BP7, PM2_supporting.

Labcorp Genetics (formerly Invitae), Labcorp
Classification: Likely benign for Hereditary thrombocytopenia and hematological cancer predisposition syndrome associated with RUNX1. Last evaluated: 2025-11-10. Review status: criteria provided, single submitter. Criteria: Invitae Variant Classification Sherloc (09022015). Collection method: clinical testing. Allele origin: germline. Not counted in ClinVar's aggregate classification.

Ambry Genetics
Classification: Likely benign for Inborn genetic diseases. Last evaluated: 2025-08-08. Review status: criteria provided, single submitter. Criteria: Ambry Variant Classification Scheme 2023. Collection method: clinical testing. Allele origin: germline. Not counted in ClinVar's aggregate classification.

NM_001754.5(RUNX1):c.735C>T (p.Pro245=)

Gene: RUNX1 (RUNX family transcription factor 1; minus strand). Cytogenetic location: 21q22.12.
Variant type: single nucleotide variant.
Coding change: c.735C>T on transcript NM_001754.5 (MANE Select); coding-DNA position 735, C replaced by T.
Protein change: p.Pro245=; no amino-acid change (proline 245 retained).
Molecular consequence: synonymous variant.
Genome position (GRCh38, 1-based): chr21:34,834,480, G>A on the plus strand (C>T on the coding strand, the complement: RUNX1 is on the minus strand). VCF-style: chr21-34834480-G-A. GRCh37 (hg19) VCF-style: chr21-36206777-G-A.
Other names: NM_001754.5(RUNX1):c.735C>T; p.Pro245=; c.654C>T, p.Pro218= (NM_001001890.3, NM_001122607.2); c.735C>T (NM_001754.4).
Identifiers: ClinVar variation 1155928 (VCV001155928.13), dbSNP rs902762123, ClinGen allele CA320603659.
Genomic context (GRCh38, chr21:34,834,480, plus strand): 5'-ACTCTGAGGCTGAGGGTTAAAGGCAGTGGAGTGGTTCAGGGAGGCACGAGGGTTGGGCGT[G>A]GGGGCTGGGTGGTGTGGGCTGACCCTCATGGCTGTGCGCCGCAGCTGCTCCAGTTCACTG-3'
Protein context (NP_001745.2, residues 235-255): AMRVSPHHPA[Pro245=]TPNPRASLNH